The following is an entry in ClinVar:

NM_001039591.3(USP9X):c.2636+15A>G

Gene: USP9X (ubiquitin specific peptidase 9 X-linked; plus strand). Cytogenetic location: Xp11.4.
Variant type: single nucleotide variant.
Coding change: c.2636+15A>G on transcript NM_001039591.3 (MANE Select); 15 bases into the intron after coding-DNA position 2636, A replaced by G.
Molecular consequence: intron variant.
Genome position (GRCh38, 1-based): chrX:41,168,233, A>G. VCF-style: chrX-41168233-A-G. GRCh37 (hg19) VCF-style: chrX-41027486-A-G.
Other names: c.2636+15A>G (NM_001039590.3).
Identifiers: ClinVar variation 1683272 (VCV001683272.1), dbSNP rs2147118360, ClinGen allele CA2573158699.

ClinVar aggregate classification (germline): Uncertain significance (1 of 4 stars; one submission).

Submission:

Women's Health and Genetics/Laboratory Corporation of America, LabCorp
Classification: Uncertain significance. Last evaluated: 2022-04-29. Review status: criteria provided, single submitter. Criteria: LabCorp Variant Classification Summary - May 2015. Collection method: clinical testing. Allele origin: germline.
Comment: Variant summary: USP9X c.2636+15A>G alters a non-conserved nucleotide located close to a canonical splice site and therefore could affect mRNA splicing, leading to a significantly altered protein sequence. 4/4 computational tools predict no significant impact on normal splicing. However, these predictions have yet to be confirmed by functional studies. The variant was absent in 184284 control chromosomes (gnomAD). The available data on variant occurrences in the general population are insufficient to allow any conclusion about variant significance. To our knowledge, no occurrence of c.2636+15A>G in individuals affected with Mental Retardation, X-Linked 99 and no experimental evidence demonstrating its impact on protein function have been reported. No clinical diagnostic laboratories have submitted clinical-significance assessments for this variant to ClinVar after 2014. Based on the evidence outlined above, the variant was classified as uncertain significance.